The following is an entry in ClinVar:

NM_001365088.1(SLC12A6):c.1772C>T (p.Ala591Val)

Gene: SLC12A6 (solute carrier family 12 member 6; minus strand). Cytogenetic location: 15q14.
Variant type: single nucleotide variant.
Coding change: c.1772C>T on transcript NM_001365088.1 (MANE Select); coding-DNA position 1772, C replaced by T.
Protein change: p.Ala591Val; replaces alanine 591 with valine.
Molecular consequence: missense variant.
Genome position (GRCh38, 1-based): chr15:34,245,745, G>A on the plus strand (C>T on the coding strand, the complement: SLC12A6 is on the minus strand). VCF-style: chr15-34245745-G-A. GRCh37 (hg19) VCF-style: chr15-34537946-G-A.
Other names: c.1745C>T, p.Ala582Val (NM_001042496.2); c.1727C>T, p.Ala576Val (NM_001042497.2); c.1619C>T, p.Ala540Val (NM_005135.2); c.1772C>T, p.Ala591Val (NM_133647.2); c.1595C>T, p.Ala532Val (NM_001042494.2, NM_001042495.2); short protein forms A532V, A540V, A576V, A582V, A591V.
Identifiers: ClinVar variation 3612164 (VCV003612164.2).

ClinVar aggregate classification (germline): Uncertain significance (1 of 4 stars; one submission).

gnomAD v4.1: 6 of 1,613,790 alleles (0.00037%); highest among the groups gnomAD compares: Non-Finnish European, 0.00051%; no homozygotes.

Submission:

Labcorp Genetics (formerly Invitae), Labcorp
Classification: Uncertain significance. Last evaluated: 2024-05-22. Review status: criteria provided, single submitter. Criteria: Invitae Variant Classification Sherloc (09022015). Collection method: clinical testing. Allele origin: germline.
Comment: This sequence change replaces alanine, which is neutral and non-polar, with valine, which is neutral and non-polar, at codon 591 of the SLC12A6 protein (p.Ala591Val). This variant is not present in population databases (gnomAD no frequency). This variant has not been reported in the literature in individuals affected with SLC12A6-related conditions. Advanced modeling of protein sequence and biophysical properties (such as structural, functional, and spatial information, amino acid conservation, physicochemical variation, residue mobility, and thermodynamic stability) performed at Invitae indicates that this missense variant is expected to disrupt SLC12A6 protein function with a positive predictive value of 80%. In summary, the available evidence is currently insufficient to determine the role of this variant in disease. Therefore, it has been classified as a Variant of Uncertain Significance.